The following is an entry in ClinVar:

NM_004006.3(DMD):c.831G>A (p.Gln277=)

Gene: DMD (dystrophin; minus strand). Cytogenetic location: Xp21.1.
Variant type: single nucleotide variant.
Coding change: c.831G>A on transcript NM_004006.3 (MANE Select); coding-DNA position 831, G replaced by A.
Protein change: p.Gln277=; no amino-acid change (glutamine 277 retained).
Molecular consequence: synonymous variant.
Genome position (GRCh38, 1-based): chrX:32,699,112, C>T on the plus strand (G>A on the coding strand, the complement: DMD is on the minus strand). VCF-style: chrX-32699112-C-T. GRCh37 (hg19) VCF-style: chrX-32717229-C-T.
Other names: c.807G>A, p.Gln269= (NM_000109.4); c.819G>A, p.Gln273= (NM_004009.3); c.462G>A, p.Gln154= (NM_004010.3).
Identifiers: ClinVar variation 290357 (VCV000290357.10), dbSNP rs398124067, ClinGen allele CA10606749.

ClinVar aggregate classification (germline): Conflicting classifications of pathogenicity. Review status: criteria provided, conflicting classifications (1 of 4 stars). 2 submissions from 2 submitters: Pathogenic (1); Uncertain significance (1). Last evaluated 2025-02-06.

Conditions:
Duchenne muscular dystrophy (DMD). Also called: Duchenne Muscular Dystrophy (DMD); MUSCULAR DYSTROPHY, PSEUDOHYPERTROPHIC PROGRESSIVE, DUCHENNE TYPE. Identifiers: Orphanet 98896, MedGen C0013264, MONDO:0010679, OMIM 310200.

Submissions (2):

Labcorp Genetics (formerly Invitae), Labcorp
Classification: Pathogenic for Duchenne muscular dystrophy. Last evaluated: 2025-02-06. Review status: criteria provided, single submitter. Criteria: Invitae Variant Classification Sherloc (09022015). Collection method: clinical testing. Allele origin: germline.
Comment: This sequence change affects codon 277 of the DMD mRNA. It is a 'silent' change, meaning that it does not change the encoded amino acid sequence of the DMD protein. This variant also falls at the last nucleotide of exon 8, which is part of the consensus splice site for this exon. This variant is not present in population databases (gnomAD no frequency). This variant has been observed in individual(s) with DMD-related conditions (PMID: 14695533; internal data). In at least one individual the variant was observed to be de novo. ClinVar contains an entry for this variant (Variation ID: 290357). Variants that disrupt the consensus splice site are a relatively common cause of aberrant splicing (PMID: 17576681, 9536098). Algorithms developed to predict the effect of sequence changes on RNA splicing suggest that this variant may disrupt the consensus splice site. This variant disrupts the c.831G nucleotide in the DMD gene. Other variant(s) that disrupt this nucleotide have been determined to be pathogenic (PMID: 21520333, 30833962; internal data). This suggests that this nucleotide is clinically significant, and that variants that disrupt this position are likely to be disease-causing. For these reasons, this variant has been classified as Pathogenic.

Eurofins Ntd Llc (ga)
Classification: Uncertain significance. Last evaluated: 2016-08-23. Review status: criteria provided, single submitter. Criteria: EGL Classification Definitions 2015. Collection method: clinical testing. Allele origin: germline. Observed: 1 variant allele, 1 hemizygote.

Literature cited by the submitters: PubMed 14695533 (cited by Labcorp Genetics (formerly Invitae), Labcorp); PubMed 17576681 (cited by Labcorp Genetics (formerly Invitae), Labcorp); PubMed 9536098 (cited by Labcorp Genetics (formerly Invitae), Labcorp); PubMed 21520333 (cited by Labcorp Genetics (formerly Invitae), Labcorp); PubMed 30833962 (cited by Labcorp Genetics (formerly Invitae), Labcorp).